The following is an entry in ClinVar:

ClinVar aggregate classification (germline): Uncertain significance (1 of 4 stars; one submission).

Conditions:
Autosomal recessive polycystic kidney disease (ARPKD). Also called: AR polycystic kidney disease. Identifiers: Orphanet 731, Orphanet 8378, MedGen C0085548, MeSH D017044, MONDO:0009889.

Allele frequency attached by ClinVar (database versions not stated): gnomAD exomes below 0.00001.
gnomAD v4.1: 1 of 1,614,184 alleles (0.000062%); highest among the groups gnomAD compares: Middle Eastern, 0.016%; no homozygotes.

Submission:

Labcorp Genetics (formerly Invitae), Labcorp
Classification: Uncertain significance for Autosomal recessive polycystic kidney disease. Last evaluated: 2019-06-25. Review status: criteria provided, single submitter. Criteria: Invitae Variant Classification Sherloc (09022015). Collection method: clinical testing. Allele origin: germline.
Comment: This sequence change replaces threonine with serine at codon 1671 of the PKHD1 protein (p.Thr1671Ser). The threonine residue is moderately conserved and there is a small physicochemical difference between threonine and serine. This variant is not present in population databases (ExAC no frequency). This variant has not been reported in the literature in individuals with PKHD1-related conditions. Algorithms developed to predict the effect of missense changes on protein structure and function (SIFT, PolyPhen-2, Align-GVGD) all suggest that this variant is likely to be tolerated, but these predictions have not been confirmed by published functional studies and their clinical significance is uncertain. In summary, the available evidence is currently insufficient to determine the role of this variant in disease. Therefore, it has been classified as a Variant of Uncertain Significance.

NM_138694.4(PKHD1):c.5012C>G (p.Thr1671Ser)

Genes: PKHD1 (PKHD1 ciliary IPT domain containing fibrocystin/polyductin; minus strand), LOC126859690 (MED14-independent group 3 enhancer GRCh37_chr6:51888848-51890047; plus strand). Cytogenetic location: 6p12.2.
Variant type: single nucleotide variant.
Coding change: c.5012C>G on transcript NM_138694.4 (MANE Select); coding-DNA position 5012, C replaced by G.
Protein change: p.Thr1671Ser; replaces threonine 1671 with serine.
Molecular consequence: missense variant.
Genome position (GRCh38, 1-based): chr6:52,024,798, G>C on the plus strand (C>G on the coding strand, the complement: PKHD1 is on the minus strand). VCF-style: chr6-52024798-G-C. GRCh37 (hg19) VCF-style: chr6-51889596-G-C.
Other names: c.5012C>G, p.Thr1671Ser (NM_170724.3); short protein forms T1671S.
Identifiers: ClinVar variation 950149 (VCV000950149.1), dbSNP rs1313759171, ClinGen allele CA364430098.
Genomic context (GRCh38, chr6:52,024,798, plus strand): 5'-GGTGACATTCCTATAAAAATGTCAATGTTTGCAGCTCCTGAGATCTGGGCCACTGCAAAG[G>C]TTAAGATGTCATCGCTCTGAGAAATAGAGATCAATTCTGGGGTAAAGGCCTTGTTATAAC-3'
Protein context (NP_619639.3, residues 1661-1681): ISISQSDDIL[Thr1671Ser]FAVAQISGAA